The following is an entry in ClinVar:

ClinVar aggregate classification (germline): Benign/Likely benign. Review status: criteria provided, multiple submitters, no conflicts (2 of 4 stars). 4 submissions from 4 submitters: Benign (1); Likely benign (3). Last evaluated 2026-01-27.

Conditions:
Autosomal dominant optic atrophy classic form (OPA1). Also called: OPTIC ATROPHY, JUVENILE; Optic Atrophy Type 1; KJER-TYPE OPTIC ATROPHY. Identifiers: Orphanet 98673, MedGen C0338508, MONDO:0008134, OMIM 165500.

Allele frequency attached by ClinVar (database versions not stated): 1000 Genomes Project 30x 0.00031; 1000 Genomes Project 0.00040; gnomAD 0.00053 and 0.00054; TOPMed 0.00053; ESP Exome Variant Server 0.00064; ExAC 0.00080.
gnomAD v4.1: 1,117 of 1,533,472 alleles (0.073%); highest among the groups gnomAD compares: Non-Finnish European, 0.09%; no homozygotes.

Submissions (4):

Labcorp Genetics (formerly Invitae), Labcorp
Classification: Benign. Last evaluated: 2026-01-27. Review status: criteria provided, single submitter. Criteria: Invitae Variant Classification Sherloc (09022015). Collection method: clinical testing. Allele origin: germline.

Blueprint Genetics
Classification: Likely benign. Last evaluated: 2024-11-22. Review status: criteria provided, single submitter. Criteria: ACMG Guidelines, 2015. Collection method: clinical testing. Allele origin: germline.

Illumina Laboratory Services, Illumina
Classification: Likely benign for Autosomal dominant optic atrophy classic form. Last evaluated: 2018-01-13. Review status: criteria provided, single submitter. Criteria: ICSL Variant Classification Criteria 13 December 2019. Collection method: clinical testing. Allele origin: germline.
Comment: This variant was observed in the ICSL laboratory as part of a predisposition screen in an ostensibly healthy population. It had not been previously curated by ICSL or reported in the Human Gene Mutation Database (HGMD: prior to June 1st, 2018), and was therefore a candidate for classification through an automated scoring system. Utilizing variant allele frequency, disease prevalence and penetrance estimates, and inheritance mode, an automated score was calculated to assess if this variant is too frequent to cause the disease. Based on the score and internal cut-off values, a variant classified as likely benign is not then subjected to further curation. The score for this variant resulted in a classification of likely benign for this disease.

GeneDx
Classification: Likely benign. Last evaluated: 2017-06-01. Review status: criteria provided, single submitter. Criteria: GeneDx Variant Classification (06012015). Collection method: clinical testing. Allele origin: germline. Affected: yes.
Comment: This variant is considered likely benign or benign based on one or more of the following criteria: it is a conservative change, it occurs at a poorly conserved position in the protein, it is predicted to be benign by multiple in silico algorithms, and/or has population frequency not consistent with disease.

NM_130837.3(OPA1):c.32+14C>T

Gene: OPA1 (OPA1 mitochondrial dynamin like GTPase; plus strand). Cytogenetic location: 3q29.
Variant type: single nucleotide variant.
Coding change: c.32+14C>T on transcript NM_130837.3 (MANE Select); 14 bases into the intron after coding-DNA position 32, C replaced by T.
Molecular consequence: intron variant.
Genome position (GRCh38, 1-based): chr3:193,593,423, C>T. VCF-style: chr3-193593423-C-T. GRCh37 (hg19) VCF-style: chr3-193311212-C-T.
Other names: c.-399+14C>T (NM_001354664.2, NM_001354663.2); c.32+14C>T (NM_130834.3, NM_130836.3, NM_015560.3 and 4 more transcripts).
Identifiers: ClinVar variation 509668 (VCV000509668.13), dbSNP rs201927764, ClinGen allele CA2758889.